The following is an entry in ClinVar:

ClinVar aggregate classification (germline): Likely benign. Review status: criteria provided, multiple submitters, no conflicts (2 of 4 stars). 5 submissions from 5 submitters: Likely benign (5). Last evaluated 2025-09-23.

Conditions:
Inborn genetic diseases. Identifiers: MedGen C0950123, MeSH D030342.
Kleefstra syndrome 1 (KLEFS1). Identifiers: Orphanet 261494, MedGen C0795833, MONDO:0027407, OMIM 610253.

Allele frequency attached by ClinVar (database versions not stated): gnomAD 0.00003; gnomAD exomes 0.00005; ExAC 0.00007; ESP Exome Variant Server 0.00008; TOPMed 0.00009.
gnomAD v4.1: 274 of 1,609,208 alleles (0.017%); highest among the groups gnomAD compares: Non-Finnish European, 0.023%; no homozygotes.

Submissions (5):

Labcorp Genetics (formerly Invitae), Labcorp
Classification: Likely benign for Kleefstra syndrome 1. Last evaluated: 2025-09-23. Review status: criteria provided, single submitter. Criteria: Invitae Variant Classification Sherloc (09022015). Collection method: clinical testing. Allele origin: germline.

Ambry Genetics
Classification: Likely benign for Inborn genetic diseases. Last evaluated: 2023-10-16. Review status: criteria provided, single submitter. Criteria: Ambry Variant Classification Scheme 2023. Collection method: clinical testing. Allele origin: germline.

CeGaT Center for Human Genetics Tuebingen
Classification: Likely benign. Last evaluated: 2022-11-01. Review status: criteria provided, single submitter. Criteria: CeGaT Center For Human Genetics Tuebingen Variant Classification Criteria Version 2. Collection method: clinical testing. Allele origin: germline. Affected: yes. Observed: 1 variant allele.
Comment: EHMT1: BP4

GeneDx
Classification: Likely benign. Last evaluated: 2020-09-23. Review status: criteria provided, single submitter. Criteria: GeneDx Variant Classification Process June 2021. Collection method: clinical testing. Allele origin: germline. Affected: yes.

Genetic Services Laboratory, University of Chicago
Classification: Likely benign. Last evaluated: 2015-07-21. Review status: criteria provided, single submitter. Criteria: ACMG Guidelines, 2015. Collection method: clinical testing. Allele origin: germline.

NM_024757.5(EHMT1):c.159G>T (p.Glu53Asp)

Gene: EHMT1 (euchromatic histone lysine methyltransferase 1; plus strand). Cytogenetic location: 9q34.3.
Variant type: single nucleotide variant.
Coding change: c.159G>T on transcript NM_024757.5 (MANE Select); coding-DNA position 159, G replaced by T.
Protein change: p.Glu53Asp; replaces glutamic acid 53 with aspartic acid.
Molecular consequence: missense variant.
Genome position (GRCh38, 1-based): chr9:137,716,699, G>T. VCF-style: chr9-137716699-G-T. GRCh37 (hg19) VCF-style: chr9-140611151-G-T.
Other names: c.159G>T, p.Glu53Asp (NM_001145527.2, NM_001354263.2, NM_001354611.2); c.66G>T, p.Glu22Asp (NM_001354259.2, NM_001354612.2); short protein forms E53D, E22D.
Identifiers: ClinVar variation 210917 (VCV000210917.45), dbSNP rs202066668, ClinGen allele CA206962.